The following is an entry in ClinVar:

ClinVar aggregate classification (germline): Uncertain significance. Review status: criteria provided, multiple submitters, no conflicts (2 of 4 stars). 2 submissions from 2 submitters: Uncertain significance (2). Last evaluated 2024-07-01.

Conditions:
Familial meningioma. Also called: Meningioma, familial, susceptibility to. Identifiers: Orphanet 263662, MedGen C3551915, MONDO:0011789, OMIM 607174.
Hereditary cancer-predisposing syndrome. Also called: Tumor predisposition; Hereditary neoplastic syndrome; Hereditary Cancer Syndrome; Neoplastic Syndromes, Hereditary. Identifiers: Orphanet 140162, MedGen C0027672, MeSH D009386, MONDO:0015356.

gnomAD v4.1: 1 of 1,563,986 alleles (0.000064%); no homozygotes.

Submissions (2):

Labcorp Genetics (formerly Invitae), Labcorp
Classification: Uncertain significance for Familial meningioma. Last evaluated: 2024-07-01. Review status: criteria provided, single submitter. Criteria: Invitae Variant Classification Sherloc (09022015). Collection method: clinical testing. Allele origin: germline.
Comment: This sequence change falls in intron 3 of the SMARCE1 gene. It does not directly change the encoded amino acid sequence of the SMARCE1 protein. It affects a nucleotide within the consensus splice site. This variant is not present in population databases (gnomAD no frequency). This variant has not been reported in the literature in individuals affected with SMARCE1-related conditions. Variants that disrupt the consensus splice site are a relatively common cause of aberrant splicing (PMID: 17576681, 9536098). Algorithms developed to predict the effect of sequence changes on RNA splicing suggest that this variant is not likely to affect RNA splicing. In summary, the available evidence is currently insufficient to determine the role of this variant in disease. Therefore, it has been classified as a Variant of Uncertain Significance.

Ambry Genetics
Classification: Uncertain significance for Hereditary cancer-predisposing syndrome. Last evaluated: 2024-04-24. Review status: criteria provided, single submitter. Criteria: Ambry Variant Classification Scheme 2023. Collection method: clinical testing. Allele origin: germline.
Comment: The c.52-3C>T intronic variant results from a C to T substitution 3 nucleotides upstream from coding exon 3 in the SMARCE1 gene. This nucleotide position is highly conserved in available vertebrate species. In silico splice site analysis predicts that this alteration will not have any significant effect on splicing. Based on the available evidence, the clinical significance of this variant remains unclear.

Literature cited by the submitters: PubMed 17576681 (cited by Labcorp Genetics (formerly Invitae), Labcorp); PubMed 9536098 (cited by Labcorp Genetics (formerly Invitae), Labcorp).

NM_003079.5(SMARCE1):c.52-3C>T

Gene: SMARCE1 (SWI/SNF related BAF chromatin remodeling complex subunit E1; minus strand). Cytogenetic location: 17q21.2.
Variant type: single nucleotide variant.
Coding change: c.52-3C>T on transcript NM_003079.5 (MANE Select); 3 bases into the intron before coding-DNA position 52, C replaced by T.
Molecular consequence: intron variant.
Genome position (GRCh38, 1-based): chr17:40,642,562, G>A on the plus strand (C>T on the coding strand, the complement: SMARCE1 is on the minus strand). VCF-style: chr17-40642562-G-A. GRCh37 (hg19) VCF-style: chr17-38798814-G-A.
Other names: c.52-3C>T (NM_003079.4).
Identifiers: ClinVar variation 3022692 (VCV003022692.4), dbSNP rs2508613655, ClinGen allele CA2637753900.